The following is an entry in ClinVar:

ClinVar aggregate classification (germline): Uncertain significance (1 of 4 stars; one submission).

Submission:

Labcorp Genetics (formerly Invitae), Labcorp
Classification: Uncertain significance. Last evaluated: 2025-12-19. Review status: criteria provided, single submitter. Criteria: Invitae Variant Classification Sherloc (09022015). Collection method: clinical testing. Allele origin: germline.
Comment: This sequence change replaces leucine, which is neutral and non-polar, with phenylalanine, which is neutral and non-polar, at codon 194 of the POLR1A protein (p.Leu194Phe). This variant is not present in population databases (gnomAD no frequency). This variant has not been reported in the literature in individuals affected with POLR1A-related conditions. Invitae Evidence Modeling of protein sequence and biophysical properties (such as structural, functional, and spatial information, amino acid conservation, physicochemical variation, residue mobility, and thermodynamic stability) indicates that this missense variant is not expected to disrupt POLR1A protein function with a negative predictive value of 80%. In summary, the available evidence is currently insufficient to determine the role of this variant in disease. Therefore, it has been classified as a Variant of Uncertain Significance.

NM_015425.6(POLR1A):c.580C>T (p.Leu194Phe)

Gene: POLR1A (RNA polymerase I subunit A; minus strand). Cytogenetic location: 2p11.2.
Variant type: single nucleotide variant.
Coding change: c.580C>T on transcript NM_015425.6 (MANE Select); coding-DNA position 580, C replaced by T.
Protein change: p.Leu194Phe; replaces leucine 194 with phenylalanine.
Molecular consequence: missense variant.
Genome position (GRCh38, 1-based): chr2:86,088,831, G>A on the plus strand (C>T on the coding strand, the complement: POLR1A is on the minus strand). VCF-style: chr2-86088831-G-A. GRCh37 (hg19) VCF-style: chr2-86315954-G-A.
Other names: short protein forms L194F.
Identifiers: ClinVar variation 4740567 (VCV004740567.1).